The following is an entry in ClinVar:

ClinVar aggregate classification (germline): Uncertain significance (1 of 4 stars; one submission).

Submission:

Labcorp Genetics (formerly Invitae), Labcorp
Classification: Uncertain significance. Last evaluated: 2025-04-16. Review status: criteria provided, single submitter. Criteria: Invitae Variant Classification Sherloc (09022015). Collection method: clinical testing. Allele origin: germline.
Comment: This sequence change falls in intron 21 of the COL2A1 gene. It does not directly change the encoded amino acid sequence of the COL2A1 protein. It affects a nucleotide within the consensus splice site. This variant is not present in population databases (gnomAD no frequency). This variant has not been reported in the literature in individuals affected with COL2A1-related conditions. ClinVar contains an entry for this variant (Variation ID: 1513375). Variants that disrupt the consensus splice site are a relatively common cause of aberrant splicing (PMID: 17576681, 9536098). In summary, the available evidence is currently insufficient to determine the role of this variant in disease. Therefore, it has been classified as a Variant of Uncertain Significance.

Literature cited by the submitters: PubMed 17576681; PubMed 9536098.

NM_001844.5(COL2A1):c.1364_1365+2dup

Gene: COL2A1 (collagen type II alpha 1 chain; minus strand). Cytogenetic location: 12q13.11.
Variant type: Duplication.
Coding change: c.1364_1365+2dup on transcript NM_001844.5 (MANE Select); coding-DNA position 1364 through the canonical splice donor site of the intron after coding-DNA position 1365, 4 bases duplicated (CGGT; older notation c.1364_1365+2dupCGGT).
Molecular consequence: splice donor variant.
Genome position (GRCh38, 1-based): chr12:47,987,076-47,987,079, ACCG duplicated on the plus strand (CGGT on the coding strand, the reverse complement: COL2A1 is on the minus strand). VCF-style (leftmost placement, unchanged base first): chr12-47987075-T-TACCG. GRCh37 (hg19) VCF-style: chr12-48380858-T-TACCG.
Other names: c.1157_1158+2dup (NM_033150.3).
Identifiers: ClinVar variation 1513375 (VCV001513375.6), dbSNP rs2136575503, ClinGen allele CA2573148636.